The following is an entry in ClinVar:

NM_000038.6(APC):c.2546_2552del (p.Asp849fs)

Gene: APC (APC regulator of Wnt signaling pathway; plus strand). Cytogenetic location: 5q22.2.
Variant type: Deletion.
Coding change: c.2546_2552del on transcript NM_000038.6 (MANE Select); coding-DNA positions 2546 to 2552, 7 bases deleted (ATAGAAG; older notation c.2546_2552delATAGAAG).
Protein change: p.Asp849fs; shifts the reading frame from aspartic acid 849.
Molecular consequence: frameshift variant. On other transcripts: non-coding transcript variant (2).
Genome position (GRCh38, 1-based): chr5:112,838,140-112,838,146, ATAGAAG deleted; deleting any 7 consecutive bases within chr5:112,838,137-112,838,146 gives the same sequence; the c. name uses the placement nearest the transcript's 3' end. VCF-style (leftmost placement, unchanged base first): chr5-112838136-AAAGATAG-A. GRCh37 (hg19) VCF-style: chr5-112173833-AAAGATAG-A.
Other names: NM_001354906.2:c.1697_1703del; c.2546_2552del, p.Asp849fs (NM_001354895.2, NM_001407450.1, NM_001127510.3); c.2600_2606del, p.Asp867fs (NM_001354896.2, NM_001407447.1, NM_001407448.1 and 1 more transcripts); c.2576_2582del, p.Asp859fs (NM_001354897.2); c.2471_2477del, p.Asp824fs (NM_001354898.2); c.2462_2468del, p.Asp821fs (NM_001354899.2); c.2423_2429del, p.Asp808fs (NM_001354900.2); c.2369_2375del, p.Asp790fs (NM_001354901.2, NM_001407453.1); and 12 more; short protein forms D465fs, D566fs, D689fs, D720fs, D723fs, D748fs, D758fs, D766fs.
Identifiers: ClinVar variation 3901082 (VCV003901082.2).

ClinVar aggregate classification (germline): Pathogenic. Review status: reviewed by expert panel (3 of 4 stars). 2 submissions from 2 submitters: Pathogenic (1). 1 of the submissions does not count toward it. Last evaluated 2025-05-16.

Conditions:
Familial adenomatous polyposis 1 (FAP1). Also called: POLYPOSIS, ADENOMATOUS INTESTINAL; FAMILIAL ADENOMATOUS POLYPOSIS 1, ATTENUATED. Identifiers: MedGen C2713442, MONDO:0021056, OMIM 175100. Disease mechanism: loss of function.

Submissions (2):

ClinGen InSiGHT Hereditary Colorectal Cancer/Polyposis Variant Curation Expert Panel
Classification: Pathogenic for Familial adenomatous polyposis 1. Last evaluated: 2025-05-16. Review status: reviewed by expert panel. Criteria: ClinGen InSiGHT HCCP VCEP ACMG Specifications APC V1. Collection method: curation. Allele origin: germline. Inheritance: Autosomal dominant inheritance.
Comment: The NM_000038.6(APC):c.2546_2552del p.(Asp849Valfs*10) variant in APC is a frameshift variant located between codon 49 and 2645 and predicted to cause a premature stop codon in exon 16 in a gene in which loss-of-function is an established mechanism of disease (PVS1). This variant has been reported in 1 family meeting phenotypic criteria, resulting in a total phenotype score of 1 (PS4_Supporting [PMID: 11247896 plus internal information from Institute of Human Genetics, Bonn, Germany]). This variant has been reported to segregate with FAP in at least 3 meioses in the same family (PP1 [internal information from Institute of Human Genetics, Bonn, Germany]). This variant is absent from gnomAD v2.1.1 (PM2_Supporting). In summary, this variant meets the criteria to be classified as Pathogenic for autosomal-dominant inherited FAP based on the ACMG/AMP criteria applied, as specified by the ClinGen InSiGHT Hereditary Colorectal Cancer/Polyposis Variant Curation Expert Panel: criteria PVS1, PS4_Supporting, PM2_Supporting and PP1 applied (VCEP specifications version v2.0.3; date of approval 7/24/2023).

Institute for Clinical Genetics, University Hospital TU Dresden, University Hospital TU Dresden
Classification: Pathogenic for Familial adenomatous polyposis 1. Last evaluated: 2025-01-29. Review status: criteria provided, single submitter. Criteria: ACMG Guidelines, 2015. Collection method: clinical testing. Allele origin: paternal. Not counted in ClinVar's aggregate classification.
Comment: The frameshift variant in the APC gene (NM_000038.6:c.2546_2552del, p.(Asp849Valfs*10)) leads to a reading frame shift due to the loss of 7 base pairs and to the termination of translation of the corresponding protein by a premature stop codon in exon 16 of 16. Bioinformatic prediction algorithms to assess the effect on protein expression estimate the effect of the variant as strong (AutoPVS1, PMID: 32442321). Most likely, a C-terminally shortened by >50%, very probably functionless or functionally altered protein is formed, as multiple functionally critical domains are lost (PMID: 37047451). On the other hand, premature degradation of the mRNA via nonsense mediated mRNA decay (NMD) is not expected (PMID: 33277042). However, an actual effect of the variant on protein expression has not yet been functionally investigated. This variant has not yet been classified in the ClinVar database and is not listed in the population database gnomAD v4.1.0. The variant has been reported in the literature as causing disease in an individual with FAP and segregated with the phenotype across 3 meioses (PMIDs: 11247896, 39357517). According to the current ClinGen-VCEP specifications for the ACMG/AMP guidelines for the evaluation of APC variants, the criteria PVS1, PS4_SUP, PM2_SUP and PP1 are fulfilled, resulting in an evaluation as a pathogenic variant (ACMG class 5).